The following is an entry in ClinVar:

ClinVar aggregate classification (germline): Uncertain significance (1 of 4 stars; one submission).

Submission:

Labcorp Genetics (formerly Invitae), Labcorp
Classification: Uncertain significance. Last evaluated: 2023-05-05. Review status: criteria provided, single submitter. Criteria: Invitae Variant Classification Sherloc (09022015). Collection method: clinical testing. Allele origin: germline.
Comment: In summary, the available evidence is currently insufficient to determine the role of this variant in disease. Therefore, it has been classified as a Variant of Uncertain Significance. Advanced modeling of protein sequence and biophysical properties (such as structural, functional, and spatial information, amino acid conservation, physicochemical variation, residue mobility, and thermodynamic stability) performed at Invitae indicates that this missense variant is not expected to disrupt FLNB protein function. ClinVar contains an entry for this variant (Variation ID: 2121163). This variant has not been reported in the literature in individuals affected with FLNB-related conditions. This variant is not present in population databases (gnomAD no frequency). This sequence change replaces asparagine, which is neutral and polar, with aspartic acid, which is acidic and polar, at codon 2449 of the FLNB protein (p.Asn2449Asp).

NM_001457.4(FLNB):c.7345A>G (p.Asn2449Asp)

Genes: FLNB (filamin B; plus strand), FLNB-AS1 (FLNB antisense RNA 1; minus strand). Cytogenetic location: 3p14.3.
Variant type: single nucleotide variant.
Coding change: c.7345A>G on transcript NM_001457.4 (MANE Select); coding-DNA position 7345, A replaced by G.
Protein change: p.Asn2449Asp; replaces asparagine 2449 with aspartic acid.
Molecular consequence: missense variant.
Genome position (GRCh38, 1-based): chr3:58,168,586, A>G. VCF-style: chr3-58168586-A-G. GRCh37 (hg19) VCF-style: chr3-58154313-A-G.
Other names: c.7438A>G, p.Asn2480Asp (NM_001164317.2); c.7312A>G, p.Asn2438Asp (NM_001164318.2); c.7273A>G, p.Asn2425Asp (NM_001164319.2); short protein forms N2425D, N2438D, N2449D, N2480D.
Identifiers: ClinVar variation 2121163 (VCV002121163.4), dbSNP rs2471272356, ClinGen allele CA353334909.